The following is an entry in ClinVar:

NM_019594.4(LRRC8A):c.1795A>G (p.Ile599Val)

Gene: LRRC8A (leucine rich repeat containing 8 VRAC subunit A; plus strand). Cytogenetic location: 9q34.11.
Variant type: single nucleotide variant.
Coding change: c.1795A>G on transcript NM_019594.4 (MANE Select); coding-DNA position 1795, A replaced by G.
Protein change: p.Ile599Val; replaces isoleucine 599 with valine.
Molecular consequence: missense variant.
Genome position (GRCh38, 1-based): chr9:128,908,959, A>G. VCF-style: chr9-128908959-A-G. GRCh37 (hg19) VCF-style: chr9-131671238-A-G.
Other names: c.1795A>G, p.Ile599Val (NM_001127244.2, NM_001127245.2); short protein forms I599V.
Identifiers: ClinVar variation 2973211 (VCV002973211.3), dbSNP rs1840377279, ClinGen allele CA375084475.
Genomic context (GRCh38, chr9:128,908,959, plus strand): 5'-ACCAAGCTCATCGTCCTCAACAGCCTCAAGAAGATGGCGAACCTGACTGAGCTGGAGCTG[A>G]TCCGCTGTGACCTGGAGCGCATCCCCCACTCCATCTTCAGCCTCCACAACCTGCAGGAGA-3'
Protein context (NP_062540.2, residues 589-609): KMANLTELEL[Ile599Val]RCDLERIPHS

ClinVar aggregate classification (germline): Uncertain significance (1 of 4 stars; one submission).

Allele frequency attached by ClinVar (database versions not stated): TOPMed 0.00002.
gnomAD v4.1: 2 of 1,614,150 alleles (0.00012%); highest among the groups gnomAD compares: Admixed American, 0.0017%; no homozygotes.

Submission:

Labcorp Genetics (formerly Invitae), Labcorp
Classification: Uncertain significance. Last evaluated: 2024-01-02. Review status: criteria provided, single submitter. Criteria: Invitae Variant Classification Sherloc (09022015). Collection method: clinical testing. Allele origin: germline.
Comment: This sequence change replaces isoleucine, which is neutral and non-polar, with valine, which is neutral and non-polar, at codon 599 of the LRRC8A protein (p.Ile599Val). This variant is not present in population databases (gnomAD no frequency). This variant has not been reported in the literature in individuals affected with LRRC8A-related conditions. An algorithm developed to predict the effect of missense changes on protein structure and function (PolyPhen-2) suggests that this variant is likely to be tolerated. In summary, the available evidence is currently insufficient to determine the role of this variant in disease. Therefore, it has been classified as a Variant of Uncertain Significance.